The following is an entry in ClinVar:

ClinVar aggregate classification (germline): Uncertain significance (0 of 4 stars; one submission).

Conditions:
KAT8-related disorder. Also called: KAT8-related condition.

Submission:

PreventionGenetics, part of Exact Sciences
Classification: Uncertain significance for KAT8-related condition. Last evaluated: 2024-02-20. Review status: no assertion criteria provided. Collection method: clinical testing. Allele origin: germline.
Comment: The KAT8 c.566T>C variant is predicted to result in the amino acid substitution p.Ile189Thr. To our knowledge, this variant has not been reported in the literature or in a large population database, indicating this variant is rare. At this time, the clinical significance of this variant is uncertain due to the absence of conclusive functional and genetic evidence.

NM_032188.3(KAT8):c.566T>C (p.Ile189Thr)

Gene: KAT8 (lysine acetyltransferase 8; plus strand). Cytogenetic location: 16p11.2.
Variant type: single nucleotide variant.
Coding change: c.566T>C on transcript NM_032188.3 (MANE Select); coding-DNA position 566, T replaced by C.
Protein change: p.Ile189Thr; replaces isoleucine 189 with threonine.
Molecular consequence: missense variant.
Genome position (GRCh38, 1-based): chr16:31,127,238, T>C. VCF-style: chr16-31127238-T-C. GRCh37 (hg19) VCF-style: chr16-31138559-T-C.
Other names: c.566T>C, p.Ile189Thr (NM_182958.4); short protein forms I189T.
Identifiers: ClinVar variation 3046707 (VCV003046707.2), dbSNP rs2544173087, ClinGen allele CA395672786.
Genomic context (GRCh38, chr16:31,127,238, plus strand): 5'-CCTGCCTGCAGATCACCAAGGTGAAGTATGTGGACAAGATCCACATCGGGAACTACGAAA[T>C]TGATGCCTGGTATTTCTCACCATTCCCCGAAGACTATGGGAAACAGCCCAAGCTCTGGCT-3'
Protein context (NP_115564.2, residues 179-199): VDKIHIGNYE[Ile189Thr]DAWYFSPFPE